The following is an entry in ClinVar:

NM_003265.3(TLR3):c.1691T>G (p.Leu564Arg)

Gene: TLR3 (toll like receptor 3; plus strand). Cytogenetic location: 4q35.1.
Variant type: single nucleotide variant.
Coding change: c.1691T>G on transcript NM_003265.3 (MANE Select); coding-DNA position 1691, T replaced by G.
Protein change: p.Leu564Arg; replaces leucine 564 with arginine.
Molecular consequence: missense variant.
Genome position (GRCh38, 1-based): chr4:186,083,377, T>G. VCF-style: chr4-186083377-T-G. GRCh37 (hg19) VCF-style: chr4-187004531-T-G.
Other names: short protein forms L564R.
Identifiers: ClinVar variation 2067128 (VCV002067128.4), dbSNP rs2478227600, ClinGen allele CA358933425.

ClinVar aggregate classification (germline): Uncertain significance (1 of 4 stars; one submission).

Conditions:
Encephalopathy, acute, infection-induced (herpes-specific), susceptibility to, 1. Also called: Herpes simplex encephalitis, susceptibility to, 1. Identifiers: Orphanet 1930, MedGen C2750180, MONDO:0024563, OMIM 610551.

Submission:

Labcorp Genetics (formerly Invitae), Labcorp
Classification: Uncertain significance for Encephalopathy, acute, infection-induced (herpes-specific), susceptibility to, 1. Last evaluated: 2024-12-13. Review status: criteria provided, single submitter. Criteria: Invitae Variant Classification Sherloc (09022015). Collection method: clinical testing. Allele origin: germline.
Comment: This sequence change replaces leucine, which is neutral and non-polar, with arginine, which is basic and polar, at codon 564 of the TLR3 protein (p.Leu564Arg). This variant is not present in population databases (gnomAD no frequency). This variant has not been reported in the literature in individuals affected with TLR3-related conditions. ClinVar contains an entry for this variant (Variation ID: 2067128). An algorithm developed to predict the effect of missense changes on protein structure and function (PolyPhen-2) suggests that this variant is likely to be disruptive. In summary, the available evidence is currently insufficient to determine the role of this variant in disease. Therefore, it has been classified as a Variant of Uncertain Significance.